The following is an entry in ClinVar:

NM_000709.4(BCKDHA):c.626T>C (p.Leu209Pro)

Gene: BCKDHA (branched chain keto acid dehydrogenase E1 subunit alpha; plus strand). Cytogenetic location: 19q13.2.
Variant type: single nucleotide variant.
Coding change: c.626T>C on transcript NM_000709.4 (MANE Select); coding-DNA position 626, T replaced by C.
Protein change: p.Leu209Pro; replaces leucine 209 with proline.
Molecular consequence: missense variant.
Genome position (GRCh38, 1-based): chr19:41,419,276, T>C. VCF-style: chr19-41419276-T-C. GRCh37 (hg19) VCF-style: chr19-41925181-T-C.
Other names: c.626T>C, p.Leu209Pro (NM_001164783.2); short protein forms L209P.
Identifiers: ClinVar variation 4063795 (VCV004063795.3).

ClinVar aggregate classification (germline): Uncertain significance. Review status: criteria provided, single submitter (1 of 4 stars). 2 submissions from 2 submitters: Uncertain significance (1). 1 of the submissions does not count toward it. Last evaluated 2026-06-01.

Conditions:
Maple syrup urine disease type 1A (MSUD1A). Also called: MSUD type 1A. Identifiers: MedGen C1855369, MONDO:0023691, OMIM 248600.

Submissions (2):

CeGaT Center for Human Genetics Tuebingen
Classification: Uncertain significance. Last evaluated: 2026-06-01. Review status: criteria provided, single submitter. Criteria: CeGaT Center For Human Genetics Tuebingen Variant Classification Criteria Version 2. Collection method: clinical testing. Allele origin: germline. Affected: yes. Observed: 1 variant allele.
Comment: BCKDHA: PM2, PP3

Natera, Inc.
Classification: Uncertain significance for Maple syrup urine disease type 1A. Last evaluated: 2025-04-11. Review status: no assertion criteria provided. Collection method: clinical testing. Allele origin: germline. Not counted in ClinVar's aggregate classification.